The following is an entry in ClinVar:

NM_001048166.1(STIL):c.2225G>A (p.Arg742His)

Gene: STIL (STIL centriolar assembly protein; minus strand). Cytogenetic location: 1p33.
Variant type: single nucleotide variant.
Coding change: c.2225G>A on transcript NM_001048166.1 (MANE Select); coding-DNA position 2225, G replaced by A.
Protein change: p.Arg742His; replaces arginine 742 with histidine.
Molecular consequence: missense variant.
Genome position (GRCh38, 1-based): chr1:47,272,234, C>T on the plus strand (G>A on the coding strand, the complement: STIL is on the minus strand). VCF-style: chr1-47272234-C-T. GRCh37 (hg19) VCF-style: chr1-47737906-C-T.
Other names: c.2225G>A, p.Arg742His (NM_001282936.1, NM_001282937.1, NM_003035.2); c.2084G>A, p.Arg695His (NM_001282938.1, NM_001282939.1, NM_001377417.1); short protein forms R695H, R742H.
Identifiers: ClinVar variation 1394115 (VCV001394115.7), dbSNP rs867409389, ClinGen allele CA22040443.

ClinVar aggregate classification (germline): Uncertain significance. Review status: criteria provided, multiple submitters, no conflicts (2 of 4 stars). 3 submissions from 3 submitters: Uncertain significance (3). Last evaluated 2023-10-02.

Conditions:
Inborn genetic diseases. Identifiers: MedGen C0950123, MeSH D030342.
Microcephaly 7, primary, autosomal recessive. Identifiers: Orphanet 2512, MedGen C2675187, MONDO:0012989, OMIM 612703.

Allele frequency attached by ClinVar (database versions not stated): gnomAD 0.00001; gnomAD exomes 0.00001 and 0.00003; TOPMed 0.00006.
gnomAD v4.1: 41 of 1,613,972 alleles (0.0025%); highest among the groups gnomAD compares: Admixed American, 0.005%; no homozygotes.

Submissions (3):

Revvity Omics, Revvity
Classification: Uncertain significance for Microcephaly 7, primary, autosomal recessive. Last evaluated: 2023-10-02. Review status: criteria provided, single submitter. Criteria: ACMG Guidelines, 2015. Collection method: clinical testing. Allele origin: germline.

Ambry Genetics
Classification: Uncertain significance for Inborn genetic diseases. Last evaluated: 2023-09-23. Review status: criteria provided, single submitter. Criteria: Ambry Variant Classification Scheme 2023. Collection method: clinical testing. Allele origin: germline.

Labcorp Genetics (formerly Invitae), Labcorp
Classification: Uncertain significance. Last evaluated: 2022-09-12. Review status: criteria provided, single submitter. Criteria: Invitae Variant Classification Sherloc (09022015). Collection method: clinical testing. Allele origin: germline.
Comment: This sequence change replaces arginine, which is basic and polar, with histidine, which is basic and polar, at codon 742 of the STIL protein (p.Arg742His). This variant is present in population databases (no rsID available, gnomAD 0.003%). This variant has not been reported in the literature in individuals affected with STIL-related conditions. ClinVar contains an entry for this variant (Variation ID: 1394115). Advanced modeling of protein sequence and biophysical properties (such as structural, functional, and spatial information, amino acid conservation, physicochemical variation, residue mobility, and thermodynamic stability) performed at Invitae indicates that this missense variant is expected to disrupt STIL protein function. In summary, the available evidence is currently insufficient to determine the role of this variant in disease. Therefore, it has been classified as a Variant of Uncertain Significance.